The following is an entry in ClinVar:

ClinVar aggregate classification (germline): Uncertain significance (1 of 4 stars; one submission).

Conditions:
Epidermolysis bullosa simplex 5C, with pyloric atresia (EBS5C). Also called: PLEC-Related Epidermolysis Bullosa with Pyloric Atresia; Epidermolysis bullosa simplex with pyloric atresia; PLEC1-Related Epidermolysis Bullosa with Pyloric Atresia. Identifiers: Orphanet 158684, MedGen C2677349, MONDO:0012807, OMIM 612138.
Epidermolysis bullosa simplex 5B, with muscular dystrophy (EBS5B). Also called: Epidermolysis bullosa simplex with muscular dystrophy; EPIDERMOLYSIS BULLOSA SIMPLEX AND LIMB-GIRDLE MUSCULAR DYSTROPHY. Identifiers: Orphanet 257, MedGen C2931072, MONDO:0009181, OMIM 226670.
Epidermolysis bullosa simplex, Ogna type (EBS5A). Also called: Pidermolysis bullosa simplex 5A, Ogna type; EPIDERMOLYSIS BULLOSA SIMPLEX 5A, OGNA TYPE. Identifiers: Orphanet 79401, MedGen C0432317, MONDO:0007555, OMIM 131950.
Autosomal recessive limb-girdle muscular dystrophy type 2Q (LGMDR17). Also called: MUSCULAR DYSTROPHY, LIMB-GIRDLE, AUTOSOMAL RECESSIVE 17. Identifiers: Orphanet 254361, MedGen C3150989, MONDO:0013390, OMIM 613723.
Epidermolysis bullosa simplex with nail dystrophy (EBS5D). Identifiers: MedGen C4225309, MONDO:0014661, OMIM 616487.

gnomAD v4.1: 4 of 1,612,974 alleles (0.00025%); highest among the groups gnomAD compares: Admixed American, 0.0067%; no homozygotes.

Submission:

Labcorp Genetics (formerly Invitae), Labcorp
Classification: Uncertain significance for Autosomal recessive limb-girdle muscular dystrophy type 2Q; Epidermolysis bullosa simplex, Ogna type; Epidermolysis bullosa simplex with nail dystrophy; Epidermolysis bullosa simplex 5C, with pyloric atresia; Epidermolysis bullosa simplex 5B, with muscular dystrophy. Last evaluated: 2019-04-18. Review status: criteria provided, single submitter. Criteria: Invitae Variant Classification Sherloc (09022015). Collection method: clinical testing. Allele origin: germline.
Comment: This sequence change replaces arginine with proline at codon 206 of the PLEC protein (p.Arg206Pro). The arginine residue is highly conserved and there is a moderate physicochemical difference between arginine and proline. This variant is present in population databases (rs566549191, ExAC 0.009%). This variant has not been reported in the literature in individuals with PLEC-related conditions. Algorithms developed to predict the effect of missense changes on protein structure and function are either unavailable or do not agree on the potential impact of this missense change (SIFT: "Deleterious"; PolyPhen-2: "Not Available"; Align-GVGD: "Class C0"). In summary, the available evidence is currently insufficient to determine the role of this variant in disease. Therefore, it has been classified as a Variant of Uncertain Significance.

NM_201384.3(PLEC):c.536G>C (p.Arg179Pro)

Gene: PLEC (plectin; minus strand). Cytogenetic location: 8q24.3.
Variant type: single nucleotide variant.
Coding change: c.536G>C on transcript NM_201384.3 (MANE Select); coding-DNA position 536, G replaced by C.
Protein change: p.Arg179Pro; replaces arginine 179 with proline.
Molecular consequence: missense variant.
Genome position (GRCh38, 1-based): chr8:143,935,914, C>G on the plus strand (G>C on the coding strand, the complement: PLEC is on the minus strand). VCF-style: chr8-143935914-C-G. GRCh37 (hg19) VCF-style: chr8-145010082-C-G.
Other names: c.617G>C, p.Arg206Pro (NM_000445.5); c.494G>C, p.Arg165Pro (NM_201378.4); c.470G>C, p.Arg157Pro (NM_201379.3); c.947G>C, p.Arg316Pro (NM_201380.4); c.440G>C, p.Arg147Pro (NM_201381.3); c.536G>C, p.Arg179Pro (NM_201382.4); c.548G>C, p.Arg183Pro (NM_201383.3); short protein forms R147P, R183P, R206P, R157P, R165P, R179P, R316P.
Identifiers: ClinVar variation 951622 (VCV000951622.7), dbSNP rs566549191, ClinGen allele CA4928413.